The following is an entry in ClinVar:

NM_000535.7(PMS2):c.1964G>A (p.Gly655Glu)

Gene: PMS2 (PMS1 homolog 2, mismatch repair system component; minus strand). Cytogenetic location: 7p22.1.
Variant type: single nucleotide variant.
Coding change: c.1964G>A on transcript NM_000535.7 (MANE Select); coding-DNA position 1964, G replaced by A.
Protein change: p.Gly655Glu; replaces glycine 655 with glutamic acid.
Molecular consequence: missense variant. On other transcripts: non-coding transcript variant (1).
Genome position (GRCh38, 1-based): chr7:5,986,801, C>T on the plus strand (G>A on the coding strand, the complement: PMS2 is on the minus strand). VCF-style: chr7-5986801-C-T. GRCh37 (hg19) VCF-style: chr7-6026432-C-T.
Other names: c.1559G>A, p.Gly520Glu (NM_001322003.2, NM_001322004.2, NM_001322005.2 and 1 more transcripts); c.1808G>A, p.Gly603Glu (NM_001322006.2); c.1646G>A, p.Gly549Glu (NM_001322007.2, NM_001322008.2); c.1403G>A, p.Gly468Glu (NM_001322010.2); c.1031G>A, p.Gly344Glu (NM_001322011.2, NM_001322012.2); c.1391G>A, p.Gly464Glu (NM_001322013.2); c.1964G>A, p.Gly655Glu (NM_001322014.2); c.1655G>A, p.Gly552Glu (NM_001322015.2); short protein forms G655E, G520E, G464E, G549E, G552E, G603E, G344E, G468E.
Identifiers: ClinVar variation 480367 (VCV000480367.8), dbSNP rs1554297077, ClinGen allele CA366739055.

ClinVar aggregate classification (germline): Uncertain significance. Review status: criteria provided, multiple submitters, no conflicts (2 of 4 stars). 4 submissions from 4 submitters: Uncertain significance (4). Last evaluated 2025-04-28.

Conditions:
Lynch syndrome. Identifiers: Orphanet 144, MedGen C4552100, MONDO:0005835. Disease mechanism: loss of function.
Hereditary nonpolyposis colorectal neoplasms. Identifiers: MedGen C0009405, MeSH D003123.
Hereditary cancer-predisposing syndrome. Also called: Hereditary Cancer Syndrome; Neoplastic Syndromes, Hereditary; Tumor predisposition; Hereditary neoplastic syndrome. Identifiers: Orphanet 140162, MedGen C0027672, MeSH D009386, MONDO:0015356.

Submissions (4):

Labcorp Genetics (formerly Invitae), Labcorp
Classification: Uncertain significance for Hereditary nonpolyposis colorectal neoplasms. Last evaluated: 2025-04-28. Review status: criteria provided, single submitter. Criteria: Invitae Variant Classification Sherloc (09022015). Collection method: clinical testing. Allele origin: germline.
Comment: This sequence change replaces glycine, which is neutral and non-polar, with glutamic acid, which is acidic and polar, at codon 655 of the PMS2 protein (p.Gly655Glu). This variant is not present in population databases (gnomAD no frequency). This variant has not been reported in the literature in individuals affected with PMS2-related conditions. ClinVar contains an entry for this variant (Variation ID: 480367). Invitae Evidence Modeling incorporating data from in vitro experimental studies (internal data) indicates that this missense variant is not expected to disrupt PMS2 function with a negative predictive value of 95%. In summary, the available evidence is currently insufficient to determine the role of this variant in disease. Therefore, it has been classified as a Variant of Uncertain Significance.

Color Diagnostics, LLC DBA Color Health
Classification: Uncertain significance for Hereditary cancer-predisposing syndrome. Last evaluated: 2024-03-06. Review status: criteria provided, single submitter. Criteria: ACMG Guidelines, 2015. Collection method: clinical testing. Allele origin: germline.
Comment: This missense variant replaces glycine with glutamic acid at codon 655 of the PMS2 protein. Computational prediction suggests that this variant may not impact protein structure and function (internally defined REVEL score threshold <= 0.5, PMID: 27666373). To our knowledge, functional studies have not been reported for this variant. This variant has not been reported in individuals affected with PMS2-related disorders in the literature. This variant has not been identified in the general population by the Genome Aggregation Database (gnomAD). The available evidence is insufficient to determine the role of this variant in disease conclusively. Therefore, this variant is classified as a Variant of Uncertain Significance.

All of Us Research Program, National Institutes of Health
Classification: Uncertain significance for Lynch syndrome. Last evaluated: 2023-06-08. Review status: criteria provided, single submitter. Criteria: ACMG Guidelines, 2015. Collection method: clinical testing. Allele origin: germline. Inheritance: Autosomal dominant inheritance. Observed: 1 variant allele, 1 heterozygote.
Comment: This missense variant replaces glycine with glutamic acid at codon 655 of the PMS2 protein. Computational prediction suggests that this variant may not impact protein structure and function (internally defined REVEL score threshold <= 0.5, PMID: 27666373). To our knowledge, functional studies have not been reported for this variant. This variant has not been reported in individuals affected with PMS2-related disorders in the literature. This variant has not been identified in the general population by the Genome Aggregation Database (gnomAD). The available evidence is insufficient to determine the role of this variant in disease conclusively. Therefore, this variant is classified as a Variant of Uncertain Significance.

This study involves interpretation of variants in research participants for the purpose of population health screening. Participant phenotype was not available at the time of variant classification. Additional details can be found in publication PMID: 35346344, PMCID: PMC8962531

Ambry Genetics
Classification: Uncertain significance for Hereditary cancer-predisposing syndrome. Last evaluated: 2017-01-25. Review status: criteria provided, single submitter. Criteria: Ambry Variant Classification Scheme 2023. Collection method: clinical testing. Allele origin: germline.
Comment: The p.G655E variant (also known as c.1964G>A), located in coding exon 11 of the PMS2 gene, results from a G to A substitution at nucleotide position 1964. The glycine at codon 655 is replaced by glutamic acid, an amino acid with similar properties. This amino acid position is highly conserved in available vertebrate species. In addition, the in silico prediction for this alteration is inconclusive. Since supporting evidence is limited at this time, the clinical significance of this alteration remains unclear.